The following is an entry in ClinVar:

NM_172351.3(CD46):c.425A>C (p.Glu142Ala)

Gene: CD46 (CD46 molecule; plus strand). Cytogenetic location: 1q32.2.
Variant type: single nucleotide variant.
Coding change: c.425A>C on transcript NM_172351.3 (MANE Select); coding-DNA position 425, A replaced by C.
Protein change: p.Glu142Ala; replaces glutamic acid 142 with alanine.
Molecular consequence: missense variant.
Genome position (GRCh38, 1-based): chr1:207,759,674, A>C. VCF-style: chr1-207759674-A-C. GRCh37 (hg19) VCF-style: chr1-207933019-A-C.
Other names: c.425A>C, p.Glu142Ala (NM_002389.4, NM_153826.4, NM_172350.3 and 8 more transcripts); short protein forms E142A.
Identifiers: ClinVar variation 4291272 (VCV004291272.1).

ClinVar aggregate classification (germline): Uncertain significance (1 of 4 stars; one submission).

Conditions:
Atypical hemolytic-uremic syndrome. Identifiers: Orphanet 2134, MedGen C2931788, MONDO:0016244.

Submission:

Genomenon, Inc
Classification: Uncertain significance for Atypical hemolytic-uremic syndrome. Last evaluated: 2025-10-02. Review status: criteria provided, single submitter. Criteria: Genomenon Sequence Variant Interpretation Standards. Collection method: curation. Allele origin: germline. Affected: no.
Comment: CD46 p.Glu142Ala (c.425A>C) is a missense variant that changes the amino acid at residue 142 from Glutamic acid to Alanine. This variant has been reported in the published literature (PMID:16014961;26357573;11093164). It is absent or not present at a significant frequency in gnomAD. In silico models agree that this variant is not damaging. In conclusion, we classify CD46 p.Glu142Ala (c.425A>C) as a variant of uncertain significance.

Literature cited by the submitters: PubMed 16014961; PubMed 26357573; PubMed 11093164.